The following is an entry in ClinVar:

ClinVar aggregate classification (germline): Likely benign (1 of 4 stars; one submission).

Allele frequency attached by ClinVar (database versions not stated): 1000 Genomes Project 30x 0.00297; 1000 Genomes Project 0.00339; TOPMed 0.00481; gnomAD 0.00538 and 0.00555; gnomAD exomes 0.00700.
gnomAD v4.1: 3,692 of 567,450 alleles (0.65%); highest among the groups gnomAD compares: Non-Finnish European, 0.8%; 23 homozygotes.

Submission:

GeneDx
Classification: Likely benign. Last evaluated: 2018-06-14. Review status: criteria provided, single submitter. Criteria: GeneDx Variant Classification (06012015). Collection method: clinical testing. Allele origin: germline. Affected: yes.
Comment: This variant is considered likely benign or benign based on one or more of the following criteria: it is a conservative change, it occurs at a poorly conserved position in the protein, it is predicted to be benign by multiple in silico algorithms, and/or has population frequency not consistent with disease.

NM_006939.4(SOS2):c.88-142C>A

Gene: SOS2 (SOS Ras/Rho guanine nucleotide exchange factor 2; minus strand). Cytogenetic location: 14q21.3.
Variant type: single nucleotide variant.
Coding change: c.88-142C>A on transcript NM_006939.4 (MANE Select); 142 bases into the intron before coding-DNA position 88, C replaced by A.
Molecular consequence: intron variant.
Genome position (GRCh38, 1-based): chr14:50,204,551, G>T on the plus strand (C>A on the coding strand, the complement: SOS2 is on the minus strand). VCF-style: chr14-50204551-G-T. GRCh37 (hg19) VCF-style: chr14-50671269-G-T.
Identifiers: ClinVar variation 561679 (VCV000561679.1), dbSNP rs148637943, ClinGen allele CA260723949.